The following is an entry in ClinVar:

NM_002691.4(POLD1):c.2343G>T (p.Trp781Cys)

Gene: POLD1 (DNA polymerase delta 1, catalytic subunit; plus strand). Cytogenetic location: 19q13.33.
Variant type: single nucleotide variant.
Coding change: c.2343G>T on transcript NM_002691.4 (MANE Select); coding-DNA position 2343, G replaced by T.
Protein change: p.Trp781Cys; replaces tryptophan 781 with cysteine.
Molecular consequence: missense variant. On other transcripts: non-coding transcript variant (1).
Genome position (GRCh38, 1-based): chr19:50,413,834, G>T. VCF-style: chr19-50413834-G-T. GRCh37 (hg19) VCF-style: chr19-50917091-G-T.
Other names: c.2343G>T, p.Trp781Cys (NM_001256849.1); c.2421G>T, p.Trp807Cys (NM_001308632.1); c.2343G>T (NM_002691.2); short protein forms W781C, W807C.
Identifiers: ClinVar variation 2799479 (VCV002799479.4), dbSNP rs2122450133, ClinGen allele CA406984259.
Genomic context (GRCh38, chr19:50,413,834, plus strand): 5'-CCGATTCGGCGTGTCCTCGGTGGCTGAGGCGATGGCCCTGGGGCGGGAGGCCGCGGACTG[G>T]GTGTCAGGTCACTTCCCGTCGCCCATCCGGCTGGAGTTTGAGAAGGTGCGTGGCTGGGTC-3'
Protein context (NP_002682.2, residues 771-791): AMALGREAAD[Trp781Cys]VSGHFPSPIR

ClinVar aggregate classification (germline): Uncertain significance. Review status: criteria provided, multiple submitters, no conflicts (2 of 4 stars). 2 submissions from 2 submitters: Uncertain significance (2). Last evaluated 2025-02-10.

Conditions:
POLD1-related polyposis and colorectal cancer syndrome (CRCS10). Also called: Colorectal cancer 10; Colorectal cancer, susceptibility to, 10; COLORECTAL CANCER, SUSCEPTIBILITY TO, ON CHROMOSOME 19q. Identifiers: Orphanet 220460, MedGen C2675481, MONDO:0012953, OMIM 612591.
Hereditary cancer-predisposing syndrome. Also called: Tumor predisposition; Hereditary Cancer Syndrome; Hereditary neoplastic syndrome; Neoplastic Syndromes, Hereditary. Identifiers: Orphanet 140162, MedGen C0027672, MeSH D009386, MONDO:0015356.

Submissions (2):

Ambry Genetics
Classification: Uncertain significance for Hereditary cancer-predisposing syndrome. Last evaluated: 2025-02-10. Review status: criteria provided, single submitter. Criteria: Ambry Variant Classification Scheme 2023. Collection method: clinical testing. Allele origin: germline.
Comment: The p.W781C variant (also known as c.2343G>T), located in coding exon 18 of the POLD1 gene, results from a G to T substitution at nucleotide position 2343. The tryptophan at codon 781 is replaced by cysteine, an amino acid with highly dissimilar properties. This amino acid position is conserved. In addition, the in silico prediction for this alteration is inconclusive. Based on the available evidence, the clinical significance of this variant remains unclear.

Labcorp Genetics (formerly Invitae), Labcorp
Classification: Uncertain significance for POLD1-related polyposis and colorectal cancer syndrome. Last evaluated: 2024-04-29. Review status: criteria provided, single submitter. Criteria: Invitae Variant Classification Sherloc (09022015). Collection method: clinical testing. Allele origin: germline.
Comment: This sequence change replaces tryptophan, which is neutral and slightly polar, with cysteine, which is neutral and slightly polar, at codon 781 of the POLD1 protein (p.Trp781Cys). This variant is not present in population databases (gnomAD no frequency). This variant has not been reported in the literature in individuals affected with POLD1-related conditions. Advanced modeling of protein sequence and biophysical properties (such as structural, functional, and spatial information, amino acid conservation, physicochemical variation, residue mobility, and thermodynamic stability) performed at Invitae indicates that this missense variant is not expected to disrupt POLD1 protein function with a negative predictive value of 80%. In summary, the available evidence is currently insufficient to determine the role of this variant in disease. Therefore, it has been classified as a Variant of Uncertain Significance.